The following is an entry in ClinVar:

ClinVar aggregate classification (germline): Uncertain significance. Review status: criteria provided, multiple submitters, no conflicts (2 of 4 stars). 2 submissions from 2 submitters: Uncertain significance (2). Last evaluated 2025-03-06.

Conditions:
HNF1B-related disorder. Also called: HNF1B-related condition; HNF1B-related disorders.

Submissions (2):

Athena Diagnostics
Classification: Uncertain significance. Last evaluated: 2025-03-06. Review status: criteria provided, single submitter. Criteria: Athena Diagnostics Criteria. Collection method: clinical testing. Allele origin: unknown.
Comment: Available data are insufficient to determine the clinical significance of the variant at this time. This variant has not been reported in large, multi-ethnic general populations. Polyphen and MutationTaster predict this amino acid change may be damaging to the protein. The variant is located in a region that is considered important for protein function and/or structure.

PreventionGenetics, part of Exact Sciences
Classification: Uncertain significance for HNF1B-related condition. Last evaluated: 2024-12-20. Review status: criteria provided, single submitter. Criteria: ACMG Guidelines, 2015. Collection method: clinical testing. Allele origin: germline.
Comment: The HNF1B c.415G>A variant is predicted to result in the amino acid substitution p.Val139Met. To our knowledge, this variant has not been reported in the literature or in a large population database (gnomAD), indicating this variant is rare. At this time, the clinical significance of this variant is uncertain due to the absence of conclusive functional and genetic evidence.

NM_000458.4(HNF1B):c.415G>A (p.Val139Met)

Gene: HNF1B (HNF1 homeobox B; minus strand). Cytogenetic location: 17q12.
Variant type: single nucleotide variant.
Coding change: c.415G>A on transcript NM_000458.4 (MANE Select); coding-DNA position 415, G replaced by A.
Protein change: p.Val139Met; replaces valine 139 with methionine.
Molecular consequence: missense variant.
Genome position (GRCh38, 1-based): chr17:37,739,569, C>T on the plus strand (G>A on the coding strand, the complement: HNF1B is on the minus strand). VCF-style: chr17-37739569-C-T. GRCh37 (hg19) VCF-style: chr17-36099560-C-T.
Other names: c.415G>A, p.Val139Met (NM_001165923.4, NM_001304286.2, NM_001411100.1); c.415G>A (NM_000458.3); short protein forms V139M.
Identifiers: ClinVar variation 4682179 (VCV004682179.2).